The following is an entry in ClinVar:

ClinVar aggregate classification (germline): Likely pathogenic (1 of 4 stars; one submission).

Allele frequency attached by ClinVar (database versions not stated): 1000 Genomes Project 0.00020; 1000 Genomes Project 30x 0.00031.
gnomAD v4.1: 2 of 1,595,666 alleles (0.00013%); highest among the groups gnomAD compares: Non-Finnish European, 0.00017%; no homozygotes.

Submission:

Labcorp Genetics (formerly Invitae), Labcorp
Classification: Likely pathogenic. Last evaluated: 2023-09-05. Review status: criteria provided, single submitter. Criteria: Invitae Variant Classification Sherloc (09022015). Collection method: clinical testing. Allele origin: germline.
Comment: This variant has not been reported in the literature in individuals affected with DOCK6-related conditions. In summary, the currently available evidence indicates that the variant is pathogenic, but additional data are needed to prove that conclusively. Therefore, this variant has been classified as Likely Pathogenic. Algorithms developed to predict the effect of sequence changes on RNA splicing suggest that this variant may disrupt the consensus splice site. This variant is not present in population databases (gnomAD no frequency). This sequence change affects an acceptor splice site in intron 26 of the DOCK6 gene. It is expected to disrupt RNA splicing. Variants that disrupt the donor or acceptor splice site typically lead to a loss of protein function (PMID: 16199547), and loss-of-function variants in DOCK6 are known to be pathogenic (PMID: 21820096, 25824905).

Literature cited by the submitters: PubMed 16199547; PubMed 21820096; PubMed 25824905.

NM_020812.4(DOCK6):c.3241-1G>C

Gene: DOCK6 (dedicator of cytokinesis 6; minus strand). Cytogenetic location: 19p13.2.
Variant type: single nucleotide variant.
Coding change: c.3241-1G>C on transcript NM_020812.4 (MANE Select); the canonical splice acceptor site of the intron before coding-DNA position 3241, G replaced by C.
Molecular consequence: splice acceptor variant.
Genome position (GRCh38, 1-based): chr19:11,222,249, C>G on the plus strand (G>C on the coding strand, the complement: DOCK6 is on the minus strand). VCF-style: chr19-11222249-C-G. GRCh37 (hg19) VCF-style: chr19-11332925-C-G.
Other names: c.3346-1G>C (NM_001367830.1).
Identifiers: ClinVar variation 2799855 (VCV002799855.3), dbSNP rs538506091, ClinGen allele CA305317376.
Genomic context (GRCh38, chr19:11,222,249, plus strand): 5'-ACTCAGTTCGAACATGCTGGTCACCTTGGGGTCCGGGGCTTGGCTGGAGAAGGTGGAGCT[C>G]TGCAGAGTGGGGGAAAAATGGGGGATGCCAGCGGTCAAGGGTCAGAGGTGGCAGGTCACC-3'